The following is an entry in ClinVar:

ClinVar aggregate classification (germline): Uncertain significance (1 of 4 stars; one submission).

Conditions:
Type 2 diabetes mellitus. Also called: Type II diabetes mellitus. Identifiers: MedGen C0011860, MeSH D003924, MONDO:0005148, OMIM 125853, HP:0005978.
Hypoinsulinemic hypoglycemia and body hemihypertrophy. Also called: Hypoinsulinemic hypoglycemia and hemihypertrophy. Identifiers: Orphanet 293964, MedGen C3278384, MONDO:0009416, OMIM 240900.

Allele frequency attached by ClinVar (database versions not stated): TOPMed below 0.00001; gnomAD exomes 0.00001.
gnomAD v4.1: 10 of 1,614,176 alleles (0.00062%); highest among the groups gnomAD compares: Non-Finnish European, 0.00076%; no homozygotes.

Submission:

Labcorp Genetics (formerly Invitae), Labcorp
Classification: Uncertain significance for Hypoinsulinemic hypoglycemia and body hemihypertrophy; Type 2 diabetes mellitus. Last evaluated: 2019-04-01. Review status: criteria provided, single submitter. Criteria: Invitae Variant Classification Sherloc (09022015). Collection method: clinical testing. Allele origin: germline.
Comment: This sequence change replaces aspartic acid with asparagine at codon 46 of the AKT2 protein (p.Asp46Asn). The aspartic acid residue is highly conserved and there is a small physicochemical difference between aspartic acid and asparagine. In summary, the available evidence is currently insufficient to determine the role of this variant in disease. Therefore, it has been classified as a Variant of Uncertain Significance. Algorithms developed to predict the effect of missense changes on protein structure and function are either unavailable or do not agree on the potential impact of this missense change (SIFT: "Deleterious"; PolyPhen-2: "Possibly Damaging"; Align-GVGD: "Class C0"). This variant has not been reported in the literature in individuals with AKT2-related conditions. This variant is not present in population databases (ExAC no frequency).

NM_001626.6(AKT2):c.136G>A (p.Asp46Asn)

Gene: AKT2 (AKT serine/threonine kinase 2; minus strand). Cytogenetic location: 19q13.2.
Variant type: single nucleotide variant.
Coding change: c.136G>A on transcript NM_001626.6 (MANE Select); coding-DNA position 136, G replaced by A.
Protein change: p.Asp46Asn; replaces aspartic acid 46 with asparagine.
Molecular consequence: missense variant. On other transcripts: 5 prime UTR variant (2).
Genome position (GRCh38, 1-based): chr19:40,256,965, C>T on the plus strand (G>A on the coding strand, the complement: AKT2 is on the minus strand). VCF-style: chr19-40256965-C-T. GRCh37 (hg19) VCF-style: chr19-40762872-C-T.
Other names: c.-51G>A (NM_001243027.3, NM_001243028.3); c.136G>A, p.Asp46Asn (NM_001330511.1); short protein forms D46N.
Identifiers: ClinVar variation 853964 (VCV000853964.10), dbSNP rs1975583524, ClinGen allele CA405872922.
Genomic context (GRCh38, chr19:40,256,965, plus strand): 5'-CCCACTCATCCCAAGACACACCTGCTACGGAGAAGTTGTTTAAGGGGGGTAGAGTCTGAT[C>T]AGGGGCCTCGGGCCTCTCCTTGTACCCAATGAAGGAGCCGTCGCTCTTCAGCAGGAAGTA-3'
Protein context (NP_001617.1, residues 36-56): IGYKERPEAP[Asp46Asn]QTLPPLNNFS